The following is an entry in ClinVar:

ClinVar aggregate classification (germline): Likely pathogenic (1 of 4 stars; one submission).

Conditions:
Autosomal recessive Alport syndrome (ATS2). Also called: Alport syndrome type 2; COL4A4 Alport Syndrome and Thin Basement Membrane Nephropathy; ALPORT SYNDROME 2, AUTOSOMAL RECESSIVE; COL4A3-Related Nephropathy. Identifiers: Orphanet 63, Orphanet 88919, MedGen C4746745, MONDO:0008762, OMIM 203780.

Submission:

Myriad Genetics, Inc.
Classification: Likely pathogenic for Autosomal recessive Alport syndrome. Last evaluated: 2022-05-18. Review status: criteria provided, single submitter. Criteria: Myriad Women's Health Autosomal Recessive and X-Linked Classification Criteria (2021). Collection method: clinical testing. Allele origin: unknown.
Comment: NM_000092.4(COL4A4):c.3194_3195delAT(D1065Gfs*6) is expected to be pathogenic in the context of COL4A4-related Alport syndrome. This variant is predicted to lead to an abnormal or absent protein product due to the creation of a premature termination codon in COL4A4, a gene where loss-of-function variants are known to be pathogenic. Please note: this variant was assessed in the context of healthy population screening.

NM_000092.5(COL4A4):c.3194_3195del (p.Asp1065fs)

Gene: COL4A4 (collagen type IV alpha 4 chain; minus strand). Cytogenetic location: 2q36.3.
Variant type: Deletion.
Coding change: c.3194_3195del on transcript NM_000092.5 (MANE Select); coding-DNA positions 3194 to 3195, 2 bases deleted (AT; older notation c.3194_3195delAT).
Protein change: p.Asp1065fs; shifts the reading frame from aspartic acid 1065.
Molecular consequence: frameshift variant.
Genome position (GRCh38, 1-based): chr2:227,050,087-227,050,088, AT deleted on the plus strand (AT on the coding strand, the reverse complement: COL4A4 is on the minus strand). VCF-style (leftmost placement, unchanged base first): chr2-227050086-CAT-C. GRCh37 (hg19) VCF-style: chr2-227914802-CAT-C.
Other names: short protein forms D1065fs.
Identifiers: ClinVar variation 1726082 (VCV001726082.2), dbSNP rs2473939208, ClinGen allele CA2580065822.